The following is an entry in ClinVar:

NM_015474.4(SAMHD1):c.649_650insG (p.Phe217fs)

Gene: SAMHD1 (SAM and HD domain containing deoxynucleoside triphosphate triphosphohydrolase 1; minus strand). Cytogenetic location: 20q11.23.
Variant type: Insertion.
Coding change: c.649_650insG on transcript NM_015474.4 (MANE Select); coding-DNA positions 649 to 650, G inserted.
Protein change: p.Phe217fs; shifts the reading frame from phenylalanine 217.
Molecular consequence: frameshift variant.
Genome position: GRCh38 VCF-style: chr20-36927228-A-AC. GRCh37 (hg19) VCF-style: chr20-35555631-A-AC.
Other names: c.649_650insG, p.Phe217fs (NM_001363729.2, NM_001363733.2); short protein forms F217fs.
Identifiers: ClinVar variation 126413 (VCV000126413.9), dbSNP rs515726146, ClinGen allele CA345525.

ClinVar aggregate classification (germline): Pathogenic. Review status: criteria provided, multiple submitters, no conflicts (2 of 4 stars). 4 submissions from 4 submitters: Pathogenic (3). 1 of the submissions does not count toward it. Last evaluated 2025-06-17.

Conditions:
Aicardi Goutieres syndrome (AGS). Also called: Encephalopathy, familial infantile, with calcification of basal ganglia and chronic cerebrospinal fluid lymphocytosis. Identifiers: Orphanet 51, MedGen C0393591, MONDO:0018866.
Aicardi-Goutieres syndrome 5. Identifiers: Orphanet 51, MedGen C2749659, MONDO:0013059, OMIM 612952.

Allele frequency attached by ClinVar (database versions not stated): gnomAD exomes below 0.00001 and 0.00001; TOPMed below 0.00001; gnomAD 0.00001.

Submissions (4):

Natera, Inc.
Classification: Pathogenic for Aicardi-Goutieres syndrome. Last evaluated: 2025-06-17. Review status: criteria provided, single submitter. Criteria: Natera Variant Classification Schema (03/2026). Collection method: clinical testing. Allele origin: germline.
Comment: The c.649_650insG variant in SAMHD1 is a frameshift variant predicted to shift the reading frame beginning at codon 217 and leads to a stop codon 2 codons downstream. This variant is expected to result in nonsense mediated decay, truncation, or a dysfunctional protein product. This variant is rare in the general population with a frequency below the threshold expected for the associated phenotype(s). This variant has been observed in one or more individuals affected with the associated recessive disease, as either homozygous or compound heterozygous with a second variant (PMID: 20653736). Given the available evidence, this variant is classified as Pathogenic.

Labcorp Genetics (formerly Invitae), Labcorp
Classification: Pathogenic for Aicardi-Goutieres syndrome 5. Last evaluated: 2024-10-05. Review status: criteria provided, single submitter. Criteria: Invitae Variant Classification Sherloc (09022015). Collection method: clinical testing. Allele origin: germline.
Comment: This sequence change creates a premature translational stop signal (p.Phe217Cysfs*2) in the SAMHD1 gene. It is expected to result in an absent or disrupted protein product. Loss-of-function variants in SAMHD1 are known to be pathogenic (PMID: 19525956, 22461318). This variant is present in population databases (no rsID available, gnomAD 0.01%). This premature translational stop signal has been observed in individual(s) with Aicardi-Goutieres syndrome (PMID: 20653736). ClinVar contains an entry for this variant (Variation ID: 126413). For these reasons, this variant has been classified as Pathogenic.

Illumina Laboratory Services, Illumina
Classification: Pathogenic for Aicardi-Goutieres syndrome 5. Last evaluated: 2023-01-09. Review status: criteria provided, single submitter. Criteria: ICSLVariantClassificationCriteria RUGD 01 April 2020. Collection method: clinical testing. Allele origin: unknown.
Comment: The SAMHD1 c.649_650insG (p.Phe217CysfsTer2) variant results in the insertion of a nucleotide at position c.649, causing a shift in the protein reading frame that is predicted to result in premature termination of the protein. Loss of normal protein function through either protein truncation or nonsense-mediated mRNA decay is expected. The variant has been reported in a compound heterozygous state with a known pathogenic deletion in one individual with Aicardi-Goutieres syndrome (PMID: 20653736). This variant is reported in the Genome Aggregation Database in one allele at a frequency of 0.000325 in the Ashkenazi Jewish population (version 3.1.2). The c.649_650insG variant lies in the HD domain of the protein which is reported to be involved in nucleotide binding (PMID: 22461318). Based on the available evidence, the c.649_650insG (p.Phe217CysfsTer2) variant is classified as pathogenic for Aicardi-Goutieres syndrome.

GeneReviews
No classification provided. Condition: Aicardi-Goutieres syndrome 5. Review status: no classification provided. Collection method: literature only. Allele origin: germline. Affected: yes. Not counted in ClinVar's aggregate classification.

Literature cited by the submitters: PubMed 20653736 (cited by 3 submitters); PubMed 19525956 (cited by Labcorp Genetics (formerly Invitae), Labcorp); PubMed 22461318 (cited by Labcorp Genetics (formerly Invitae), Labcorp and Illumina Laboratory Services, Illumina); NCBI Bookshelf NBK1475 (cited by GeneReviews).